The following is an entry in ClinVar:

NM_000426.4(LAMA2):c.2710G>T (p.Gly904Ter)

Gene: LAMA2 (laminin subunit alpha 2; plus strand). Cytogenetic location: 6q22.33.
Variant type: single nucleotide variant.
Coding change: c.2710G>T on transcript NM_000426.4 (MANE Select); coding-DNA position 2710, G replaced by T.
Protein change: p.Gly904Ter; replaces glycine 904 with a stop codon.
Molecular consequence: nonsense.
Genome position (GRCh38, 1-based): chr6:129,288,019, G>T. VCF-style: chr6-129288019-G-T. GRCh37 (hg19) VCF-style: chr6-129609164-G-T.
Other names: c.2710G>T, p.Gly904Ter (NM_001079823.2); short protein forms G904*.
Identifiers: ClinVar variation 984197 (VCV000984197.4), dbSNP rs1789399141, ClinGen allele CA365610097.

ClinVar aggregate classification (germline): Likely pathogenic (1 of 4 stars; one submission).

Conditions:
LAMA2-related muscular dystrophy (LAMA2-RD). Also called: Laminin alpha 2-related dystrophy. Identifiers: MedGen C5679788, MONDO:0100228.

Submission:

Myriad Genetics, Inc.
Classification: Likely pathogenic for LAMA2-related muscular dystrophy. Last evaluated: 2019-04-21. Review status: criteria provided, single submitter. Criteria: Myriad Autosomal Dominant, Autosomal Recessive and X-Linked Classification Criteria (2023). Collection method: clinical testing. Allele origin: unknown.
Comment: NM_000426.3(LAMA2):c.2710G>T(G904*) is expected to be pathogenic in the context of LAMA2-related muscular dystrophy. This variant is predicted to lead to an abnormal or absent protein product due to the creation of a premature termination codon in LAMA2, a gene where loss-of-function variants are known to be pathogenic. Please note: this variant was assessed in the context of healthy population screening.